The following is an entry in ClinVar:

ClinVar aggregate classification (germline): Pathogenic (1 of 4 stars; one submission).

Submission:

Labcorp Genetics (formerly Invitae), Labcorp
Classification: Pathogenic. Last evaluated: 2023-12-18. Review status: criteria provided, single submitter. Criteria: Invitae Variant Classification Sherloc (09022015). Collection method: clinical testing. Allele origin: unknown.
Comment: This variant is a gross deletion of the genomic region encompassing exon(s) 36 of the ABCC8 gene. This deletion is out-of-frame, and is expected to create a premature termination codon and result in an absent or disrupted protein product. Loss-of-function variants in ABCC8 are known to be pathogenic (PMID: 20685672, 23345197). This variant has not been reported in the literature in individuals affected with ABCC8-related conditions. For these reasons, this variant has been classified as Pathogenic.

Literature cited by the submitters: PubMed 20685672; PubMed 23345197.

NC_000011.9:g.(?_17416699)_(17416842_?)del

Gene: ABCC8 (ATP binding cassette subfamily C member 8; minus strand). Cytogenetic location: 11p15.1.
Variant type: Deletion.
Identifiers: ClinVar variation 3244725 (VCV003244725.1).